The following is an entry in ClinVar:

ClinVar aggregate classification (germline): Uncertain significance. Review status: criteria provided, multiple submitters, no conflicts (2 of 4 stars). 2 submissions from 2 submitters: Uncertain significance (2). Last evaluated 2025-12-31.

Conditions:
Hypertrophic cardiomyopathy. Also called: HYPERTROPHIC MYOCARDIOPATHY. Identifiers: Orphanet 217569, MedGen C0007194, MeSH D002312, MONDO:0005045, HP:0001639.

Allele frequency attached by ClinVar (database versions not stated): TOPMed 0.00003; gnomAD exomes 0.00006 and 0.00003; ExAC 0.00007; gnomAD 0.00002.
gnomAD v4.1: 20 of 1,611,798 alleles (0.0012%); highest among the groups gnomAD compares: Admixed American, 0.033%; 1 homozygote.

Submissions (2):

Labcorp Genetics (formerly Invitae), Labcorp
Classification: Uncertain significance for Hypertrophic cardiomyopathy. Last evaluated: 2025-12-31. Review status: criteria provided, single submitter. Criteria: Invitae Variant Classification Sherloc (09022015). Collection method: clinical testing. Allele origin: germline.
Comment: This sequence change replaces alanine, which is neutral and non-polar, with proline, which is neutral and non-polar, at codon 1094 of the MYOM1 protein (p.Ala1094Pro). This variant is present in population databases (rs756462640, gnomAD 0.04%). This variant has not been reported in the literature in individuals affected with MYOM1-related conditions. ClinVar contains an entry for this variant (Variation ID: 1437664). Invitae Evidence Modeling of protein sequence and biophysical properties (such as structural, functional, and spatial information, amino acid conservation, physicochemical variation, residue mobility, and thermodynamic stability) indicates that this missense variant is not expected to disrupt MYOM1 protein function with a negative predictive value of 80%. In summary, the available evidence is currently insufficient to determine the role of this variant in disease. Therefore, it has been classified as a Variant of Uncertain Significance.

Ambry Genetics
Classification: Uncertain significance. Last evaluated: 2021-12-07. Review status: criteria provided, single submitter. Criteria: Ambry Variant Classification Scheme 2023. Collection method: clinical testing. Allele origin: germline.
Comment: The p.A1094P variant (also known as c.3280G>C), located in coding exon 20 of the MYOM1 gene, results from a G to C substitution at nucleotide position 3280. The alanine at codon 1094 is replaced by proline, an amino acid with highly similar properties. This amino acid position is conserved. In addition, this alteration is predicted to be tolerated by in silico analysis. Since supporting evidence is limited at this time, the clinical significance of this alteration remains unclear.

NM_003803.4(MYOM1):c.3280G>C (p.Ala1094Pro)

Gene: MYOM1 (myomesin 1; minus strand). Cytogenetic location: 18p11.31.
Variant type: single nucleotide variant.
Coding change: c.3280G>C on transcript NM_003803.4 (MANE Select); coding-DNA position 3280, G replaced by C.
Protein change: p.Ala1094Pro; replaces alanine 1094 with proline.
Molecular consequence: missense variant.
Genome position (GRCh38, 1-based): chr18:3,116,354, C>G on the plus strand (G>C on the coding strand, the complement: MYOM1 is on the minus strand). VCF-style: chr18-3116354-C-G. GRCh37 (hg19) VCF-style: chr18-3116352-C-G.
Other names: c.2992G>C, p.Ala998Pro (NM_019856.2); short protein forms A1094P, A998P.
Identifiers: ClinVar variation 1437664 (VCV001437664.8), dbSNP rs756462640, ClinGen allele CA8874367.
Genomic context (GRCh38, chr18:3,116,354, plus strand): 5'-TTAGTAGAGGAAGCTCTAGAACTGAGCAGCCTCTTACCTTCAGGTATACGTTTTTAATAG[C>G]CGCCTCATTGAGCCCTCGCCACTGGTCTTCTTTGGCCTTGGCCTCCTTCAAGTCCACGAA-3'
Protein context (NP_003794.3, residues 1084-1104): EDQWRGLNEA[Ala1094Pro]IKNVYLKVRG